The following is an entry in ClinVar:

NM_001134363.3(RBM20):c.674C>T (p.Thr225Ile)

Gene: RBM20 (RNA binding motif protein 20; plus strand). Cytogenetic location: 10q25.2.
Variant type: single nucleotide variant.
Coding change: c.674C>T on transcript NM_001134363.3 (MANE Select); coding-DNA position 674, C replaced by T.
Protein change: p.Thr225Ile; replaces threonine 225 with isoleucine.
Molecular consequence: missense variant.
Genome position (GRCh38, 1-based): chr10:110,781,283, C>T. VCF-style: chr10-110781283-C-T. GRCh37 (hg19) VCF-style: chr10-112541041-C-T.
Other names: p.T225I:ACA>ATA; c.674C>T (LRG_382t1); short protein forms T225I.
Identifiers: ClinVar variation 202042 (VCV000202042.11), dbSNP rs794729140, ClinGen allele CA335508.

ClinVar aggregate classification (germline): Conflicting classifications of pathogenicity. Review status: criteria provided, conflicting classifications (1 of 4 stars). 3 submissions from 3 submitters: Uncertain significance (2); Likely benign (1). Last evaluated 2025-12-21.

Conditions:
Cardiovascular phenotype. Identifiers: MedGen CN230736.
Dilated cardiomyopathy 1DD (CMD1DD). Identifiers: Orphanet 154, MedGen C2750995, MONDO:0013168, OMIM 613172.

Allele frequency attached by ClinVar (database versions not stated): gnomAD exomes below 0.00001; gnomAD 0.00001; TOPMed 0.00003.
gnomAD v4.1: 6 of 1,551,610 alleles (0.00039%); highest among the groups gnomAD compares: African/African-American, 0.0027%; no homozygotes.

Submissions (3):

Labcorp Genetics (formerly Invitae), Labcorp
Classification: Uncertain significance for Dilated cardiomyopathy 1DD. Last evaluated: 2025-12-21. Review status: criteria provided, single submitter. Criteria: Invitae Variant Classification Sherloc (09022015). Collection method: clinical testing. Allele origin: germline.
Comment: This sequence change replaces threonine, which is neutral and polar, with isoleucine, which is neutral and non-polar, at codon 225 of the RBM20 protein (p.Thr225Ile). This variant is not present in population databases (gnomAD no frequency). This variant has not been reported in the literature in individuals affected with RBM20-related conditions. ClinVar contains an entry for this variant (Variation ID: 202042). Invitae Evidence Modeling of protein sequence and biophysical properties (such as structural, functional, and spatial information, amino acid conservation, physicochemical variation, residue mobility, and thermodynamic stability) indicates that this missense variant is not expected to disrupt RBM20 protein function with a negative predictive value of 95%. In summary, the available evidence is currently insufficient to determine the role of this variant in disease. Therefore, it has been classified as a Variant of Uncertain Significance.

Ambry Genetics
Classification: Uncertain significance for Cardiovascular phenotype. Last evaluated: 2019-09-29. Review status: criteria provided, single submitter. Criteria: Ambry Variant Classification Scheme 2023. Collection method: clinical testing. Allele origin: germline.
Comment: The p.T225I variant (also known as c.674C>T), located in coding exon 2 of the RBM20 gene, results from a C to T substitution at nucleotide position 674. The threonine at codon 225 is replaced by isoleucine, an amino acid with similar properties. This amino acid position is poorly conserved in available vertebrate species. In addition, this alteration is predicted to be tolerated by in silico analysis. Since supporting evidence is limited at this time, the clinical significance of this alteration remains unclear.

GeneDx
Classification: Likely benign. Last evaluated: 2013-05-23. Review status: criteria provided, single submitter. Criteria: GeneDx Variant Classification (06012015). Collection method: clinical testing. Allele origin: germline. Affected: yes.
Comment: This variant is considered likely benign or benign based on one or more of the following criteria: it is a conservative change, it occurs at a poorly conserved position in the protein, it is predicted to be benign by multiple in silico algorithms, and/or has population frequency not consistent with disease.